The following is an entry in ClinVar:

NM_024753.5(TTC21B):c.3874-3C>A

Gene: TTC21B (tetratricopeptide repeat domain 21B; minus strand). Cytogenetic location: 2q24.3.
Variant type: single nucleotide variant.
Coding change: c.3874-3C>A on transcript NM_024753.5 (MANE Select); 3 bases into the intron before coding-DNA position 3874, C replaced by A.
Molecular consequence: intron variant.
Genome position (GRCh38, 1-based): chr2:165,874,835, G>T on the plus strand (C>A on the coding strand, the complement: TTC21B is on the minus strand). VCF-style: chr2-165874835-G-T. GRCh37 (hg19) VCF-style: chr2-166731345-G-T.
Identifiers: ClinVar variation 5002917 (VCV005002917.1).

ClinVar aggregate classification (germline): Uncertain significance (1 of 4 stars; one submission).

Conditions:
Asphyxiating thoracic dystrophy 4 (SRTD4). Also called: SHORT-RIB THORACIC DYSPLASIA 4 WITH OR WITHOUT POLYDACTYLY; SHORT-RIB THORACIC DYSPLASIA 4. Identifiers: Orphanet 474, MedGen C3151185, MONDO:0013441, OMIM 613819.

Submission:

OLLIN Analises Genomicas, OLLIN
Classification: Uncertain significance for Asphyxiating thoracic dystrophy 4. Last evaluated: 2026-08-06. Review status: criteria provided, single submitter. Criteria: ACMG Guidelines 2015 PMID 25741868. Collection method: clinical testing. Allele origin: germline. Inheritance: Autosomal dominant inheritance.
Comment: This variant is absent from gnomAD and ClinVar and has not been found in the scientific literature. According to the currently available evidence, this variant has been classified as uncertain significance (PM2_P, PP3).